The following is an entry in ClinVar:

ClinVar aggregate classification (germline): Uncertain significance (1 of 4 stars; one submission).

Submission:

Labcorp Genetics (formerly Invitae), Labcorp
Classification: Uncertain significance. Last evaluated: 2021-08-09. Review status: criteria provided, single submitter. Criteria: Invitae Variant Classification Sherloc (09022015). Collection method: clinical testing. Allele origin: germline.
Comment: In summary, the available evidence is currently insufficient to determine the role of this variant in disease. Therefore, it has been classified as a Variant of Uncertain Significance. Algorithms developed to predict the effect of missense changes on protein structure and function (SIFT, PolyPhen-2, Align-GVGD) all suggest that this variant is likely to be tolerated. This variant has not been reported in the literature in individuals affected with SLC25A12-related conditions. This variant is not present in population databases (ExAC no frequency). This sequence change replaces valine with alanine at codon 63 of the SLC25A12 protein (p.Val63Ala). The valine residue is moderately conserved and there is a small physicochemical difference between valine and alanine.

NM_003705.5(SLC25A12):c.188T>C (p.Val63Ala)

Gene: SLC25A12 (solute carrier family 25 member 12; minus strand). Cytogenetic location: 2q31.1.
Variant type: single nucleotide variant.
Coding change: c.188T>C on transcript NM_003705.5 (MANE Select); coding-DNA position 188, T replaced by C.
Protein change: p.Val63Ala; replaces valine 63 with alanine.
Molecular consequence: missense variant. On other transcripts: non-coding transcript variant (1).
Genome position (GRCh38, 1-based): chr2:171,868,702, A>G on the plus strand (T>C on the coding strand, the complement: SLC25A12 is on the minus strand). VCF-style: chr2-171868702-A-G. GRCh37 (hg19) VCF-style: chr2-172725212-A-G.
Other names: short protein forms V63A.
Identifiers: ClinVar variation 1466816 (VCV001466816.6), dbSNP rs2105917724, ClinGen allele CA349636541.